The following is an entry in ClinVar:

NM_000059.4(BRCA2):c.3415A>C (p.Lys1139Gln)

Gene: BRCA2 (BRCA2 DNA repair associated; plus strand). Cytogenetic location: 13q13.1.
Variant type: single nucleotide variant.
Coding change: c.3415A>C on transcript NM_000059.4 (MANE Select); coding-DNA position 3415, A replaced by C.
Protein change: p.Lys1139Gln; replaces lysine 1139 with glutamine.
Molecular consequence: missense variant.
Genome position (GRCh38, 1-based): chr13:32,337,770, A>C. VCF-style: chr13-32337770-A-C. GRCh37 (hg19) VCF-style: chr13-32911907-A-C.
Other names: short protein forms K1139Q.
Identifiers: ClinVar variation 311662 (VCV000311662.8), dbSNP rs747903103, ClinGen allele CA10643168.

ClinVar aggregate classification (germline): Conflicting classifications of pathogenicity. Review status: criteria provided, conflicting classifications (1 of 4 stars). 4 submissions from 3 submitters: Uncertain significance (3); Likely benign (1). Last evaluated 2024-09-09.

Conditions:
Breast-ovarian cancer, familial, susceptibility to, 2 (BROVCA2). Also called: BRCA2 Hereditary Breast and Ovarian Cancer. Identifiers: Orphanet 145, MedGen C2675520, MONDO:0012933, OMIM 612555. Disease mechanism: loss of function.
Hereditary cancer-predisposing syndrome. Also called: Neoplastic Syndromes, Hereditary; Tumor predisposition; Hereditary Cancer Syndrome; Hereditary neoplastic syndrome. Identifiers: Orphanet 140162, MedGen C0027672, MeSH D009386, MONDO:0015356.
Hereditary breast ovarian cancer syndrome. Also called: Hereditary breast and ovarian cancer syndrome; Hereditary breast and ovarian cancer; BRCA1- and BRCA2-Associated Hereditary Breast and Ovarian Cancer; Hereditary breast and ovarian cancer syndrome (HBOC); Breast and ovarian cancer; Hereditary breast and/or ovarian cancer syndrome. Identifiers: Orphanet 145, MedGen C0677776, MeSH D061325, MONDO:0003582. Disease mechanism: loss of function.
Fanconi anemia complementation group D1. Also called: BRCA2-Related Fanconi Anemia. Identifiers: Orphanet 319462, MedGen C1838457, MONDO:0011584, OMIM 605724.

Submissions (4):

Labcorp Genetics (formerly Invitae), Labcorp
Classification: Uncertain significance for Hereditary breast ovarian cancer syndrome. Last evaluated: 2024-09-09. Review status: criteria provided, single submitter. Criteria: Invitae Variant Classification Sherloc (09022015). Collection method: clinical testing. Allele origin: germline.
Comment: This sequence change replaces lysine, which is basic and polar, with glutamine, which is neutral and polar, at codon 1139 of the BRCA2 protein (p.Lys1139Gln). This variant is not present in population databases (gnomAD no frequency). This variant has not been reported in the literature in individuals affected with BRCA2-related conditions. ClinVar contains an entry for this variant (Variation ID: 311662). Invitae Evidence Modeling of protein sequence and biophysical properties (such as structural, functional, and spatial information, amino acid conservation, physicochemical variation, residue mobility, and thermodynamic stability) indicates that this missense variant is not expected to disrupt BRCA2 protein function with a negative predictive value of 95%. In summary, the available evidence is currently insufficient to determine the role of this variant in disease. Therefore, it has been classified as a Variant of Uncertain Significance.

University of Washington Department of Laboratory Medicine, University of Washington
Classification: Likely benign for Hereditary cancer-predisposing syndrome. Last evaluated: 2023-03-23. Review status: criteria provided, single submitter. Criteria: Dines et al. (Genet Med. 2020). Collection method: curation. Allele origin: germline.
Comment: Missense variant in a coldspot region where missense variants are very unlikely to be pathogenic (PMID:31911673).

BRCA2 exon 11 coldspot. Reclassification based on statistical prior probability.

Illumina Laboratory Services, Illumina
Classification: Uncertain significance for Fanconi anemia complementation group D1. Last evaluated: 2018-01-12. Review status: criteria provided, single submitter. Criteria: ICSL Variant Classification Criteria 13 December 2019. Collection method: clinical testing. Allele origin: germline.

Illumina Laboratory Services, Illumina
Classification: Uncertain significance for Breast-ovarian cancer, familial, susceptibility to, 2. Last evaluated: 2018-01-12. Review status: criteria provided, single submitter. Criteria: ICSL Variant Classification Criteria 13 December 2019. Collection method: clinical testing. Allele origin: germline.